The following is an entry in ClinVar:

ClinVar aggregate classification (germline): Uncertain significance (1 of 4 stars; one submission).

gnomAD v4.1: 45 of 1,611,232 alleles (0.0028%); highest among the groups gnomAD compares: Non-Finnish European, 0.0036%; no homozygotes.

Submission:

Labcorp Genetics (formerly Invitae), Labcorp
Classification: Uncertain significance. Last evaluated: 2025-11-03. Review status: criteria provided, single submitter. Criteria: Invitae Variant Classification Sherloc (09022015). Collection method: clinical testing. Allele origin: germline.
Comment: This sequence change replaces glycine, which is neutral and non-polar, with valine, which is neutral and non-polar, at codon 373 of the POLE2 protein (p.Gly373Val). This variant is present in population databases (no rsID available, gnomAD 0.002%). This variant has not been reported in the literature in individuals affected with POLE2-related conditions. An algorithm developed to predict the effect of missense changes on protein structure and function (PolyPhen-2) suggests that this variant is likely to be disruptive. In summary, the available evidence is currently insufficient to determine the role of this variant in disease. Therefore, it has been classified as a Variant of Uncertain Significance.

NM_002692.4(POLE2):c.1118G>T (p.Gly373Val)

Gene: POLE2 (DNA polymerase epsilon 2, accessory subunit; minus strand). Cytogenetic location: 14q21.3.
Variant type: single nucleotide variant.
Coding change: c.1118G>T on transcript NM_002692.4 (MANE Select); coding-DNA position 1118, G replaced by T.
Protein change: p.Gly373Val; replaces glycine 373 with valine.
Molecular consequence: missense variant.
Genome position (GRCh38, 1-based): chr14:49,654,170, C>A on the plus strand (G>T on the coding strand, the complement: POLE2 is on the minus strand). VCF-style: chr14-49654170-C-A. GRCh37 (hg19) VCF-style: chr14-50120888-C-A.
Other names: c.1040G>T, p.Gly347Val (NM_001197330.2); c.1118G>T, p.Gly373Val (NM_001197331.3); c.1115G>T, p.Gly372Val (NM_001348384.2); c.887G>T, p.Gly296Val (NM_001348385.2); short protein forms G373V, G372V, G296V, G347V.
Identifiers: ClinVar variation 4702650 (VCV004702650.1).